The following is an entry in ClinVar:

ClinVar aggregate classification (germline): Likely pathogenic (1 of 4 stars; one submission).

Conditions:
Autosomal recessive SPG11-related disorders.

Submission:

Variantyx, Inc.
Classification: Likely pathogenic for Autosomal recessive SPG11-related disorders. Last evaluated: 2025-03-18. Review status: criteria provided, single submitter. Criteria: Variantyx Assertion Criteria 2022. Collection method: clinical testing. Allele origin: germline. Affected: yes.
Comment: This is a frameshift variant in the SPG11 gene (OMIM: 610844). Pathogenic variants in this gene have been associated with autosomal recessive SPG11-related disorders. This variant introduces a premature termination codon in exon 25 out of 40 It is expected to result in loss of function, which is a known disease mechanism for SPG11 in this disorder (PMID: 19105190, 22154821) (PVS1). This variant is absent from control populations (PM2_Supporting). Based on the current evidence, this variant is classified as likely pathogenic for autosomal recessive SPG11-related disorders.

NM_025137.4(SPG11):c.4326del (p.Phe1442fs)

Gene: SPG11 (SPG11 vesicle trafficking associated, spatacsin; minus strand). Cytogenetic location: 15q21.1.
Variant type: Deletion.
Coding change: c.4326del on transcript NM_025137.4 (MANE Select); coding-DNA position 4326, one base deleted (T; older notation c.4326delT).
Protein change: p.Phe1442fs; shifts the reading frame from phenylalanine 1442.
Molecular consequence: frameshift variant.
Genome position (GRCh38, 1-based): chr15:44,596,191, A deleted on the plus strand (T on the coding strand, the reverse complement: SPG11 is on the minus strand); the first of 3 consecutive A bases (chr15:44,596,191-44,596,193); deleting any one gives the same sequence. VCF-style (leftmost placement, unchanged base first): chr15-44596190-CA-C. GRCh37 (hg19) VCF-style: chr15-44888388-CA-C.
Other names: c.4326del, p.Phe1442fs (NM_001160227.2, NM_001411132.1); short protein forms F1442fs.
Identifiers: ClinVar variation 4759236 (VCV004759236.1).
Genomic context (GRCh38, chr15:44,596,190, plus strand): 5'-CTGCTTCAACCAGAAGCCAGTGCCAGGAGTCTGGCTCCTCTGAGCATTGGAGCAGAATTT[CA>C]AATAAATCGGTCATCTCTTGTTTGCTTCCTTGAAGTTCCTGGGGGCACTTATTGCAGACT-3'